The following is an entry in ClinVar:

NM_001378454.1(ALMS1):c.11867del (p.His3956fs)

Gene: ALMS1 (ALMS1 centrosome and basal body associated protein; plus strand). Cytogenetic location: 2p13.1.
Variant type: Deletion.
Coding change: c.11867del on transcript NM_001378454.1 (MANE Select); coding-DNA position 11867, one base deleted (A; older notation c.11867delA).
Protein change: p.His3956fs; shifts the reading frame from histidine 3956.
Molecular consequence: frameshift variant.
Genome position (GRCh38, 1-based): chr2:73,600,876, A deleted. VCF-style (leftmost placement, unchanged base first): chr2-73600875-CA-C. GRCh37 (hg19) VCF-style: chr2-73828002-CA-C.
Other names: c.11870delA (NM_015120.4); c.11870del, p.His3957fs (NM_015120.4); short protein forms H3956fs, H3957fs.
Identifiers: ClinVar variation 4815765 (VCV004815765.1).
Genomic context (GRCh38, chr2:73,600,875, plus strand): 5'-AAAATGCTCTTTACCGGTTATCCTGAGGACAGAAAGTTAAAAAAGAACAAGAAGAATTCC[CA>C]TGAAGGTCAGTTTCTCATTCCAGATCTTGTAGTAGAGAAACTAGTGAATTTCAAGTCCCC-3'

ClinVar aggregate classification (germline): Likely pathogenic (1 of 4 stars; one submission).

Conditions:
Alstrom syndrome (ALMS). Identifiers: Orphanet 64, MedGen C0268425, MONDO:0008763, OMIM 203800.

Submission:

Natera, Inc.
Classification: Likely pathogenic for Alstrom syndrome. Last evaluated: 2024-04-12. Review status: criteria provided, single submitter. Criteria: Natera Variant Classification Schema (03/2026). Collection method: clinical testing. Allele origin: germline.
Comment: The c.11870delA variant in ALMS1 is a frameshift variant predicted to shift the reading frame beginning at codon 3957 and leads to a stop codon 36 codons downstream. This variant is expected to result in nonsense mediated decay, truncation, or a dysfunctional protein product. This variant is rare in the general population with a frequency below the threshold expected for the associated phenotype(s). Given the available evidence, this variant is classified as Likely Pathogenic.